The following is an entry in ClinVar:

NM_000492.4(CFTR):c.2170A>C (p.Ile724Leu)

Gene: CFTR (CF transmembrane conductance regulator; plus strand). Cytogenetic location: 7q31.2.
Variant type: single nucleotide variant.
Coding change: c.2170A>C on transcript NM_000492.4 (MANE Select); coding-DNA position 2170, A replaced by C.
Protein change: p.Ile724Leu; replaces isoleucine 724 with leucine.
Molecular consequence: missense variant.
Genome position (GRCh38, 1-based): chr7:117,592,337, A>C. VCF-style: chr7-117592337-A-C. GRCh37 (hg19) VCF-style: chr7-117232391-A-C.
Other names: short protein forms I724L.
Identifiers: ClinVar variation 1787085 (VCV001787085.3), dbSNP rs2485110100, ClinGen allele CA368980192.

ClinVar aggregate classification (germline): Uncertain significance. Review status: criteria provided, single submitter (1 of 4 stars). 2 submissions from 2 submitters: Uncertain significance (1). 1 of the submissions does not count toward it. Last evaluated 2022-05-18.

Conditions:
CFTR-related disorder (CFTR-RD). Also called: CFTR-related condition; CFTR-related disorders. Identifiers: MedGen C5924204, MONDO:7770004.
Cystic fibrosis (CF). Also called: MUCOVISCIDOSIS. Identifiers: Orphanet 586, MedGen C0010674, MONDO:0009061, OMIM 219700. Disease mechanism: loss of function.

Allele frequency attached by ClinVar (database versions not stated): gnomAD exomes below 0.00001.
gnomAD v4.1: 1 of 1,614,186 alleles (0.000062%); highest among the groups gnomAD compares: African/African-American, 0.0013%; no homozygotes.

Submissions (2):

Ambry Genetics
Classification: Uncertain significance for Cystic fibrosis. Last evaluated: 2022-05-18. Review status: criteria provided, single submitter. Criteria: Ambry Variant Classification Scheme 2023. Collection method: clinical testing. Allele origin: germline.
Comment: The p.I724L variant (also known as c.2170A>C), located in coding exon 14 of the CFTR gene, results from an A to C substitution at nucleotide position 2170. The isoleucine at codon 724 is replaced by leucine, an amino acid with highly similar properties. This amino acid position is conserved. In addition, the in silico prediction for this alteration is inconclusive. Since supporting evidence is limited at this time, the clinical significance of this alteration remains unclear.

PreventionGenetics, part of Exact Sciences
Classification: Uncertain significance for CFTR-related condition. Last evaluated: 2024-09-15. Review status: no assertion criteria provided. Collection method: clinical testing. Allele origin: germline. Not counted in ClinVar's aggregate classification.
Comment: The CFTR c.2170A>C variant is predicted to result in the amino acid substitution p.Ile724Leu. To our knowledge, this variant has not been reported in the literature or in a large population database, indicating this variant is rare. At this time, the clinical significance of this variant is uncertain due to the absence of conclusive functional and genetic evidence.